The following is an entry in ClinVar:

NM_000548.5(TSC2):c.4005+4_4005+7del

Gene: TSC2 (TSC complex subunit 2; plus strand). Cytogenetic location: 16p13.3.
Variant type: Deletion.
Coding change: c.4005+4_4005+7del on transcript NM_000548.5 (MANE Select); bases 4 to 7 of the intron after coding-DNA position 4005, 4 bases deleted (AGTG; older notation c.4005+4_4005+7delAGTG).
Molecular consequence: splice donor variant.
Genome position (GRCh38, 1-based): chr16:2,083,820-2,083,823, AGTG deleted; deleting any 4 consecutive bases within chr16:2,083,817-2,083,823 gives the same sequence; the c. name uses the placement nearest the transcript's 3' end. VCF-style (leftmost placement, unchanged base first): chr16-2083816-GGTGA-G. GRCh37 (hg19) VCF-style: chr16-2133817-GGTGA-G.
Other names: c.3273+4_3273+7del (NM_001318831.2); c.3204+4_3204+7del (NM_001406688.1, NM_001406687.1); c.3747+4_3747+7del (NM_001406677.1); c.3789+4_3789+7del (NM_001406675.1); c.3786+4_3786+7del (NM_001406676.1); c.3660+4_3660+7del (NM_001318829.2); c.3657+4_3657+7del (NM_001406679.1); c.3207+4_3207+7del (NM_001406686.1, NM_001406685.1); and 26 more.
Identifiers: ClinVar variation 3642409 (VCV003642409.2).

ClinVar aggregate classification (germline): Uncertain significance (1 of 4 stars; one submission).

Conditions:
Tuberous sclerosis 2 (TSC2). Identifiers: Orphanet 805, MedGen C1860707, MONDO:0013199, OMIM 613254.

Submission:

Labcorp Genetics (formerly Invitae), Labcorp
Classification: Uncertain significance for Tuberous sclerosis 2. Last evaluated: 2025-11-09. Review status: criteria provided, single submitter. Criteria: Invitae Variant Classification Sherloc (09022015). Collection method: clinical testing. Allele origin: germline.
Comment: This sequence change falls in intron 33 of the TSC2 gene. It does not directly change the encoded amino acid sequence of the TSC2 protein. RNA analysis indicates that this variant induces altered splicing and may result in an absent or altered protein product. This variant is not present in population databases (gnomAD no frequency). This variant has been observed in individual(s) with TSC2-related conditions (PMID: 32917966). This variant is also known as c.4006_4010del. ClinVar contains an entry for this variant (Variation ID: 3642409). Variants that disrupt the consensus splice site are a relatively common cause of aberrant splicing (PMID: 17576681, 9536098). Studies have shown that this variant results in intron retention, and produces a non-functional protein and/or introduces a premature termination codon (internal data). In summary, the available evidence is currently insufficient to determine the role of this variant in disease. Therefore, it has been classified as a Variant of Uncertain Significance.

Literature cited by the submitters: PubMed 32917966; PubMed 17576681; PubMed 9536098.